The following is an entry in ClinVar:

ClinVar aggregate classification (germline): Pathogenic (1 of 4 stars; one submission).

Conditions:
Ataxia-telangiectasia syndrome (AT). Also called: Ataxia-telangiectasia, complementation group D; AT, COMPLEMENTATION GROUP C; ATAXIA-TELANGIECTASIA, COMPLEMENTATION GROUP A; ATAXIA-TELANGIECTASIA, FRESNO VARIANT; Ataxia-telangiectasia; Ataxia telangiectasia (A-T). Identifiers: Orphanet 100, MedGen C0004135, MONDO:0008840, OMIM 208900.

Submission:

Labcorp Genetics (formerly Invitae), Labcorp
Classification: Pathogenic for Ataxia-telangiectasia syndrome. Last evaluated: 2019-09-12. Review status: criteria provided, single submitter. Criteria: Invitae Variant Classification Sherloc (09022015). Collection method: clinical testing. Allele origin: germline.
Comment: Loss-of-function variants in ATM are known to be pathogenic (PMID: 23807571, 25614872). This variant has not been reported in the literature in individuals with ATM-related conditions. This variant is not present in population databases (ExAC no frequency). This sequence change creates a premature translational stop signal (p.Gly2502*) in the ATM gene. It is expected to result in an absent or disrupted protein product. For these reasons, this variant has been classified as Pathogenic.

Literature cited by the submitters: PubMed 23807571; PubMed 25614872.

NM_000051.4(ATM):c.7504_7510del (p.Asn2501_Gly2502insTer)

Genes: ATM (ATM serine/threonine kinase; plus strand), C11orf65 (chromosome 11 open reading frame 65; minus strand). Cytogenetic location: 11q22.3.
Variant type: Deletion.
Coding change: c.7504_7510del on transcript NM_000051.4 (MANE Select); coding-DNA positions 7504 to 7510, 7 bases deleted (GGCATGA; older notation c.7504_7510delGGCATGA).
Protein change: p.Asn2501_Gly2502insTer.
Molecular consequence: nonsense. On other transcripts: frameshift variant (1), intron variant (2).
Genome position (GRCh38, 1-based): chr11:108,330,410-108,330,416, GGCATGA deleted. VCF-style (leftmost placement, unchanged base first): chr11-108330409-TGGCATGA-T. GRCh37 (hg19) VCF-style: chr11-108201136-TGGCATGA-T.
Other names: c.7504_7510delGGCATGA, p.Gly2502Terfs (NM_000051.3); c.7504_7510del, p.Asn2501_Gly2502insTer (NM_001351834.2); c.641-21345_641-21339del (NM_001330368.2); c.*38+4804_*38+4810del (NM_001351110.2).
Identifiers: ClinVar variation 952403 (VCV000952403.8), dbSNP rs2086137107, ClinGen allele CA1139662179.